The following is an entry in ClinVar:

ClinVar aggregate classification (germline): Pathogenic. Review status: criteria provided, multiple submitters, no conflicts (2 of 4 stars). 2 submissions from 2 submitters: Pathogenic (2). Last evaluated 2025-02-11.

Conditions:
Familial cancer of breast. Also called: Hereditary breast cancer; BREAST CANCER, FAMILIAL; hereditary breast carcinoma. Identifiers: Orphanet 227535, MedGen C0346153, MONDO:0016419, OMIM 114480. Disease mechanism: loss of function.
Hereditary cancer-predisposing syndrome. Also called: Tumor predisposition; Hereditary Cancer Syndrome; Hereditary neoplastic syndrome; Neoplastic Syndromes, Hereditary. Identifiers: Orphanet 140162, MedGen C0027672, MeSH D009386, MONDO:0015356.

Submissions (2):

Ambry Genetics
Classification: Pathogenic for Hereditary cancer-predisposing syndrome. Last evaluated: 2025-02-11. Review status: criteria provided, single submitter. Criteria: Ambry Variant Classification Scheme 2023. Collection method: clinical testing. Allele origin: germline.
Comment: The c.6889dupC pathogenic mutation, located in coding exon 46 of the ATM gene, results from a duplication of C at nucleotide position 6889, causing a translational frameshift with a predicted alternate stop codon (p.Q2297Pfs*76). This alteration is expected to result in loss of function by premature protein truncation or nonsense-mediated mRNA decay. As such, this alteration is interpreted as a disease-causing mutation.

Myriad Genetics, Inc.
Classification: Pathogenic for Familial cancer of breast. Last evaluated: 2023-01-10. Review status: criteria provided, single submitter. Criteria: Myriad Autosomal Dominant, Autosomal Recessive and X-Linked Classification Criteria (2023). Collection method: clinical testing. Allele origin: unknown.
Comment: This variant is considered pathogenic. This variant creates a frameshift predicted to result in premature protein truncation.

NM_000051.4(ATM):c.6889dup (p.Gln2297fs)

Genes: ATM (ATM serine/threonine kinase; plus strand), C11orf65 (chromosome 11 open reading frame 65; minus strand). Cytogenetic location: 11q22.3.
Variant type: Duplication.
Coding change: c.6889dup on transcript NM_000051.4 (MANE Select); coding-DNA position 6889, one base duplicated (C; older notation c.6889dupC).
Protein change: p.Gln2297fs; shifts the reading frame from glutamine 2297.
Molecular consequence: frameshift variant. On other transcripts: intron variant (2).
Genome position (GRCh38, 1-based): chr11:108,326,139, C duplicated. VCF-style (leftmost placement, unchanged base first): chr11-108326138-A-AC. GRCh37 (hg19) VCF-style: chr11-108196865-A-AC.
Other names: c.6889dupC (NM_000051.3); c.6889dup, p.Gln2297fs (NM_001351834.2); c.641-17068dup (NM_001330368.2); c.*38+9081dup (NM_001351110.2); short protein forms Q2297fs.
Identifiers: ClinVar variation 2431274 (VCV002431274.2), dbSNP rs2547217186, ClinGen allele CA2580083133.